The following is an entry in ClinVar:

NM_201253.3(CRB1):c.3827_3828del (p.Glu1276fs)

Gene: CRB1 (crumbs cell polarity complex component 1; plus strand). Cytogenetic location: 1q31.3.
Variant type: Microsatellite.
Coding change: c.3827_3828del on transcript NM_201253.3 (MANE Select); coding-DNA positions 3827 to 3828, 2 bases deleted (AG; older notation c.3827_3828delAG).
Protein change: p.Glu1276fs; shifts the reading frame from glutamic acid 1276.
Molecular consequence: frameshift variant. On other transcripts: non-coding transcript variant (2).
Genome position (GRCh38, 1-based): chr1:197,438,624-197,438,625, AG deleted; deleting any 2 consecutive bases within chr1:197,438,622-197,438,625 gives the same sequence; the c. name uses the placement nearest the transcript's 3' end. VCF-style (leftmost placement, unchanged base first): chr1-197438621-CAG-C. GRCh37 (hg19) VCF-style: chr1-197407751-CAG-C.
Other names: c.3491_3492del, p.Glu1164fs (NM_001193640.2); c.3755_3756del, p.Glu1252fs (NM_001257965.2); c.2219_2220del, p.Glu740fs (NM_001257966.2); c.3827_3828delAG (NM_201253.2); short protein forms E1276fs, E1164fs, E1252fs, E740fs.
Identifiers: ClinVar variation 2122413 (VCV002122413.6), dbSNP rs777323179, ClinGen allele CA35910446.

ClinVar aggregate classification (germline): Pathogenic/Likely pathogenic. Review status: criteria provided, multiple submitters, no conflicts (2 of 4 stars). 3 submissions from 3 submitters: Pathogenic (1); Likely pathogenic (1). 1 of the submissions does not count toward it. Last evaluated 2024-03-05.

Conditions:
Leber congenital amaurosis (LCA). Also called: Leber's amaurosis. Identifiers: Orphanet 65, MedGen C0339527, MeSH D057130, MONDO:0018998.
Leber congenital amaurosis 8 (LCA8). Identifiers: Orphanet 65, MedGen C3151202, MONDO:0013453, OMIM 613835.
Retinitis pigmentosa 12 (RP12). Also called: RP WITH OR WITHOUT PRESERVED PARAARTERIOLE RETINAL PIGMENT EPITHELIUM; RETINITIS PIGMENTOSA WITH OR WITHOUT PARAARTERIOLAR PRESERVATION OF RETINAL PIGMENT EPITHELIUM; RP WITH OR WITHOUT PPRPE. Identifiers: Orphanet 791, MedGen C1838647, MONDO:0010818, OMIM 600105.

Submissions (3):

Natera, Inc.
Classification: Likely pathogenic for Leber congenital amaurosis. Last evaluated: 2024-03-05. Review status: criteria provided, single submitter. Criteria: Natera Variant Classification Schema (03/2026). Collection method: clinical testing. Allele origin: germline.
Comment: The c.3827_3828delAG variant in CRB1 is a frameshift variant predicted to shift the reading frame beginning at codon 1276 and leads to a stop codon 4 codons downstream. This variant is expected to result in nonsense mediated decay, truncation, or a dysfunctional protein product. This variant is rare in the general population with a frequency below the threshold expected for the associated phenotype(s). Given the available evidence, this variant is classified as Likely Pathogenic.

Labcorp Genetics (formerly Invitae), Labcorp
Classification: Pathogenic for Leber congenital amaurosis 8; Retinitis pigmentosa 12. Last evaluated: 2022-04-07. Review status: criteria provided, single submitter. Criteria: Invitae Variant Classification Sherloc (09022015). Collection method: clinical testing. Allele origin: germline.
Comment: This variant is not present in population databases (gnomAD no frequency). This sequence change creates a premature translational stop signal (p.Glu1276Valfs*4) in the CRB1 gene. It is expected to result in an absent or disrupted protein product. Loss-of-function variants in CRB1 are known to be pathogenic (PMID: 10508521, 22065545, 23379534, 25412400, 26957898, 28041643, 29391521). For these reasons, this variant has been classified as Pathogenic. This variant has not been reported in the literature in individuals affected with CRB1-related conditions.

Laboratory of Genetics in Ophthalmology, Institut Imagine
Classification: Likely pathogenic for Leber congenital amaurosis 8. Review status: no assertion criteria provided. Collection method: research. Allele origin: inherited. Affected: yes. Not counted in ClinVar's aggregate classification.

Literature cited by the submitters: PubMed 10508521 (cited by Labcorp Genetics (formerly Invitae), Labcorp); PubMed 22065545 (cited by Labcorp Genetics (formerly Invitae), Labcorp); PubMed 23379534 (cited by Labcorp Genetics (formerly Invitae), Labcorp); PubMed 25412400 (cited by Labcorp Genetics (formerly Invitae), Labcorp); PubMed 26957898 (cited by Labcorp Genetics (formerly Invitae), Labcorp); PubMed 28041643 (cited by Labcorp Genetics (formerly Invitae), Labcorp); PubMed 29391521 (cited by Labcorp Genetics (formerly Invitae), Labcorp).